The following is an entry in ClinVar:

ClinVar aggregate classification (germline): Uncertain significance (1 of 4 stars; one submission).

Submission:

Labcorp Genetics (formerly Invitae), Labcorp
Classification: Uncertain significance. Last evaluated: 2024-04-17. Review status: criteria provided, single submitter. Criteria: Invitae Variant Classification Sherloc (09022015). Collection method: clinical testing. Allele origin: germline.
Comment: This sequence change replaces arginine, which is basic and polar, with glutamine, which is neutral and polar, at codon 105 of the DNAJC17 protein (p.Arg105Gln). This variant is present in population databases (rs770540485, gnomAD 0.005%). This variant has not been reported in the literature in individuals affected with DNAJC17-related conditions. ClinVar contains an entry for this variant (Variation ID: 1911087). Algorithms developed to predict the effect of missense changes on protein structure and function output the following: SIFT: "Not Available"; PolyPhen-2: "Benign"; Align-GVGD: "Not Available". The glutamine amino acid residue is found in multiple mammalian species, which suggests that this missense change does not adversely affect protein function. In summary, the available evidence is currently insufficient to determine the role of this variant in disease. Therefore, it has been classified as a Variant of Uncertain Significance.

NM_018163.3(DNAJC17):c.314G>A (p.Arg105Gln)

Gene: DNAJC17 (DnaJ heat shock protein family (Hsp40) member C17; minus strand). Cytogenetic location: 15q15.1.
Variant type: single nucleotide variant.
Coding change: c.314G>A on transcript NM_018163.3 (MANE Select); coding-DNA position 314, G replaced by A.
Protein change: p.Arg105Gln; replaces arginine 105 with glutamine.
Molecular consequence: missense variant.
Genome position (GRCh38, 1-based): chr15:40,776,609, C>T on the plus strand (G>A on the coding strand, the complement: DNAJC17 is on the minus strand). VCF-style: chr15-40776609-C-T. GRCh37 (hg19) VCF-style: chr15-41068807-C-T.
Other names: short protein forms R105Q.
Identifiers: ClinVar variation 1911087 (VCV001911087.5), dbSNP rs770540485, ClinGen allele CA7485213.